The following is an entry in ClinVar:

NM_000138.5(FBN1):c.6215C>A (p.Ser2072Ter)

Gene: FBN1 (fibrillin 1; minus strand). Cytogenetic location: 15q21.1.
Variant type: single nucleotide variant.
Coding change: c.6215C>A on transcript NM_000138.5 (MANE Select); coding-DNA position 6215, C replaced by A.
Protein change: p.Ser2072Ter; replaces serine 2072 with a stop codon.
Molecular consequence: nonsense.
Genome position (GRCh38, 1-based): chr15:48,437,866, G>T on the plus strand (C>A on the coding strand, the complement: FBN1 is on the minus strand). VCF-style: chr15-48437866-G-T. GRCh37 (hg19) VCF-style: chr15-48730063-G-T.
Other names: short protein forms S2072*.
Identifiers: ClinVar variation 952869 (VCV000952869.3), dbSNP rs2043085394, ClinGen allele CA392337117.
Genomic context (GRCh38, chr15:48,437,866, plus strand): 5'-CAGCCTTCTCCCTTCAAGGCACAGCAGCATTCCTGCTTGGAGTGATTTCTGGATTTGGGT[G>T]ATGAACACTTTCCTCCTTCAAACTTCGCATAACAGTAGCTCATTCGCAAATCTGCAGCAT-3'

ClinVar aggregate classification (germline): Pathogenic (1 of 4 stars; one submission).

Conditions:
Familial thoracic aortic aneurysm and aortic dissection (TAAD). Also called: Thoracic aortic aneurysms and dissections. Identifiers: Orphanet 91387, MedGen C4707243, MONDO:0019625.
Marfan syndrome (MFS). Also called: Marfan syndrome, classic; Marfan syndrome type 1; Marfan's syndrome; FBN1-Related Marfan Syndrome; MARFAN SYNDROME, TYPE I. Identifiers: Orphanet 284963, Orphanet 558, MedGen C0024796, MONDO:0007947, OMIM 154700.

Submission:

Labcorp Genetics (formerly Invitae), Labcorp
Classification: Pathogenic for Marfan syndrome; Familial thoracic aortic aneurysm and aortic dissection. Last evaluated: 2019-07-09. Review status: criteria provided, single submitter. Criteria: Invitae Variant Classification Sherloc (09022015). Collection method: clinical testing. Allele origin: germline.
Comment: This sequence change creates a premature translational stop signal (p.Ser2072*) in the FBN1 gene. It is expected to result in an absent or disrupted protein product. This variant is not present in population databases (ExAC no frequency). This variant has not been reported in the literature in individuals with FBN1-related conditions. Loss-of-function variants in FBN1 are known to be pathogenic (PMID: 17657824, 19293843). For these reasons, this variant has been classified as Pathogenic.

Literature cited by the submitters: PubMed 17657824; PubMed 19293843.